The following is an entry in ClinVar:

NM_001166108.2(PALLD):c.*93G>A

Genes: CBR4 (carbonyl reductase 4; minus strand), PALLD (palladin, cytoskeletal associated protein; plus strand). Cytogenetic location: 4q32.3.
Variant type: single nucleotide variant.
Coding change: c.*93G>A on transcript NM_001166108.2 (MANE Select); 93 bases downstream of the stop codon, G replaced by A.
Molecular consequence: 3 prime UTR variant. On other transcripts: missense variant (4).
Genome position (GRCh38, 1-based): chr4:168,926,273, G>A. VCF-style: chr4-168926273-G-A. GRCh37 (hg19) VCF-style: chr4-169847424-G-A.
Other names: c.2222G>A, p.Arg741His (NM_001166109.2); c.1907G>A, p.Arg636His (NM_001166110.2); c.*93G>A (NM_001367567.1, NM_001367570.1, NM_016081.4); c.1298G>A, p.Arg433His (NM_001367568.1); c.1247G>A, p.Arg416His (NM_001367569.1); c.1907G>A (NM_001166110.1); short protein forms R416H, R433H, R636H, R741H.
Identifiers: ClinVar variation 2189857 (VCV002189857.5), dbSNP rs1321443615, ClinGen allele CA358715977.

ClinVar aggregate classification (germline): Uncertain significance. Review status: criteria provided, multiple submitters, no conflicts (2 of 4 stars). 2 submissions from 2 submitters: Uncertain significance (2). Last evaluated 2025-02-03.

Conditions:
Pancreatic adenocarcinoma. Identifiers: MedGen C0281361, MONDO:0006047, HP:0006725.

Allele frequency attached by ClinVar (database versions not stated): gnomAD exomes below 0.00001.
gnomAD v4.1: 4 of 1,536,922 alleles (0.00026%); highest among the groups gnomAD compares: Non-Finnish European, 0.00035%; no homozygotes.

Submissions (2):

Ambry Genetics
Classification: Uncertain significance. Last evaluated: 2025-02-03. Review status: criteria provided, single submitter. Criteria: Ambry Variant Classification Scheme 2023. Collection method: clinical testing. Allele origin: germline.
Comment: The p.R636H variant (also known as c.1907G>A), located in coding exon 11 of the PALLD gene, results from a G to A substitution at nucleotide position 1907. The arginine at codon 636 is replaced by histidine, an amino acid with highly similar properties. This amino acid position is conserved. In addition, this alteration is predicted to be deleterious by in silico analysis. Based on the available evidence, the clinical significance of this variant remains unclear.

Labcorp Genetics (formerly Invitae), Labcorp
Classification: Uncertain significance for Pancreatic adenocarcinoma. Last evaluated: 2023-07-10. Review status: criteria provided, single submitter. Criteria: Invitae Variant Classification Sherloc (09022015). Collection method: clinical testing. Allele origin: germline.
Comment: This variant is present in population databases (no rsID available, gnomAD 0.002%). This sequence change replaces arginine, which is basic and polar, with histidine, which is basic and polar, at codon 636 of the PALLD protein (p.Arg636His). This variant has not been reported in the literature in individuals affected with PALLD-related conditions. In summary, the available evidence is currently insufficient to determine the role of this variant in disease. Therefore, it has been classified as a Variant of Uncertain Significance. An algorithm developed to predict the effect of missense changes on protein structure and function (PolyPhen-2) suggests that this variant is likely to be tolerated. ClinVar contains an entry for this variant (Variation ID: 2189857).